The following is an entry in ClinVar:

ClinVar aggregate classification (germline): Uncertain significance (1 of 4 stars; one submission).

Submission:

Ambry Genetics
Classification: Uncertain significance. Last evaluated: 2025-04-19. Review status: criteria provided, single submitter. Criteria: Ambry Variant Classification Scheme 2023. Collection method: clinical testing. Allele origin: germline.
Comment: The p.A158S variant (also known as c.472G>T), located in coding exon 1 of the PALLD gene, results from a G to T substitution at nucleotide position 472. The alanine at codon 158 is replaced by serine, an amino acid with similar properties. This amino acid position is conserved. In addition, this alteration is predicted to be tolerated by in silico analysis. Based on the available evidence, the clinical significance of this variant remains unclear.

NM_001166108.2(PALLD):c.1965-12559G>T

Gene: PALLD (palladin, cytoskeletal associated protein; plus strand). Cytogenetic location: 4q32.3.
Variant type: single nucleotide variant.
Coding change: c.1965-12559G>T on transcript NM_001166108.2 (MANE Select); 12559 bases into the intron before coding-DNA position 1965, G replaced by T.
Molecular consequence: intron variant. On other transcripts: missense variant (1).
Genome position (GRCh38, 1-based): chr4:168,878,363, G>T. VCF-style: chr4-168878363-G-T. GRCh37 (hg19) VCF-style: chr4-169799514-G-T.
Other names: c.472G>T, p.Ala158Ser (NM_001166110.2); c.1965-12559G>T (NM_016081.4); c.819-12559G>T (NM_001166109.2); c.-157-12559G>T (NM_001367570.1, NM_001367568.1, NM_001367567.1 and 1 more transcripts); short protein forms A158S.
Identifiers: ClinVar variation 3927536 (VCV003927536.1).
Genomic context (GRCh38, chr4:168,878,363, plus strand): 5'-ACGCCCGCGGCCTTCCTCAGCGCTCTGCTGCCCTCGCAGCCGCCGCCGGCGGCCGTCAAC[G>T]CCCTGGGGCTGCCCAAGGGTGTCACCCCCGCGTGAGTAACCGCCGCGGTCCTCCACTTCC-3'